The following is an entry in ClinVar:

ClinVar aggregate classification (germline): Likely benign (1 of 4 stars; one submission).

gnomAD v4.1: 1 of 1,614,008 alleles (0.000062%); highest among the groups gnomAD compares: East Asian, 0.0022%; no homozygotes.

Submission:

CeGaT Center for Human Genetics Tuebingen
Classification: Likely benign. Last evaluated: 2023-10-01. Review status: criteria provided, single submitter. Criteria: CeGaT Center For Human Genetics Tuebingen Variant Classification Criteria Version 2. Collection method: clinical testing. Allele origin: germline. Affected: yes. Observed: 1 variant allele.
Comment: SALL4: BP4, BP7

NM_020436.5(SALL4):c.1971C>A (p.Pro657=)

Gene: SALL4 (spalt like transcription factor 4; minus strand). Cytogenetic location: 20q13.2.
Variant type: single nucleotide variant.
Coding change: c.1971C>A on transcript NM_020436.5 (MANE Select); coding-DNA position 1971, C replaced by A.
Protein change: p.Pro657=; no amino-acid change (proline 657 retained).
Molecular consequence: synonymous variant. On other transcripts: intron variant (1).
Genome position (GRCh38, 1-based): chr20:51,790,512, G>T on the plus strand (C>A on the coding strand, the complement: SALL4 is on the minus strand). VCF-style: chr20-51790512-G-T. GRCh37 (hg19) VCF-style: chr20-50407051-G-T.
Other names: c.1150+821C>A (NM_001318031.2).
Identifiers: ClinVar variation 2652412 (VCV002652412.24), dbSNP rs145851373, ClinGen allele CA511026188.